The following is an entry in ClinVar:

NM_007315.4(STAT1):c.800C>T (p.Ala267Val)

Gene: STAT1 (signal transducer and activator of transcription 1; minus strand). Cytogenetic location: 2q32.2.
Variant type: single nucleotide variant.
Coding change: c.800C>T on transcript NM_007315.4 (MANE Select); coding-DNA position 800, C replaced by T.
Protein change: p.Ala267Val; replaces alanine 267 with valine.
Molecular consequence: missense variant. On other transcripts: intron variant (1).
Genome position (GRCh38, 1-based): chr2:190,995,205, G>A on the plus strand (C>T on the coding strand, the complement: STAT1 is on the minus strand). VCF-style: chr2-190995205-G-A. GRCh37 (hg19) VCF-style: chr2-191859931-G-A.
Other names: c.800C>T, p.Ala267Val (NM_001384880.1, NM_001384882.1, NM_001384886.1 and 4 more transcripts); c.806C>T, p.Ala269Val (NM_001384881.1, NM_001384884.1); c.701C>T, p.Ala234Val (NM_001384883.1); c.710C>T, p.Ala237Val (NM_001384890.1); c.836C>T, p.Ala279Val (NM_001384891.1); c.785+2651C>T (NM_001384885.1); short protein forms A267V, A234V, A237V, A269V, A279V.
Identifiers: ClinVar variation 30084 (VCV000030084.26), dbSNP rs387906759, ClinGen allele CA128926.

ClinVar aggregate classification (germline): Pathogenic. Review status: criteria provided, multiple submitters, no conflicts (2 of 4 stars). 12 submissions from 12 submitters: Pathogenic (9). 3 of the submissions do not count toward it. Last evaluated 2026-09-02.

Conditions:
STAT1-related disorder. Also called: STAT1-related condition.
Mendelian susceptibility to mycobacterial diseases due to partial STAT1 deficiency. Also called: IMMUNODEFICIENCY 31A, MYCOBACTERIOSIS, AUTOSOMAL DOMINANT; STAT1 DEFICIENCY, AUTOSOMAL DOMINANT; Immunodeficiency 31a. Identifiers: Orphanet 319595, MedGen C4013950, MONDO:0013956, OMIM 614892.
Immunodeficiency 31B. Also called: IMMUNODEFICIENCY 31B, MYCOBACTERIAL AND VIRAL INFECTIONS, AUTOSOMAL RECESSIVE; STAT1 DEFICIENCY, AUTOSOMAL RECESSIVE. Identifiers: Orphanet 391311, MedGen C3151088, MONDO:0013427, OMIM 613796.
Autoimmune enteropathy and endocrinopathy - susceptibility to chronic infections syndrome. Also called: Immunodeficiency 31C, autosomal dominant; Immunodeficiency 31C. Identifiers: Orphanet 391487, MedGen C3279990, MONDO:0013599, OMIM 614162.
Chronic mucocutaneous candidiasis. Also called: Recurrent mucocutaneous candidiasis. Identifiers: Orphanet 1334, MedGen C0006845, MONDO:0015279, HP:0002728.

Submissions (12):

Institute of Medical Genetics and Applied Genomics, University Hospital Tübingen
Classification: Pathogenic for Autoimmune enteropathy and endocrinopathy - susceptibility to chronic infections syndrome. Last evaluated: 2026-09-02. Review status: criteria provided, single submitter. Criteria: ACMG Guidelines, 2015. Collection method: clinical testing. Allele origin: germline. Inheritance: Autosomal dominant inheritance. Affected: yes.

Laboratory of Clinical Immunology, Infection and Allergy, Faculty of Medicine and Pharmacy of Casablanca, University of Hassan II Casablanca
Classification: Pathogenic for Autoimmune enteropathy and endocrinopathy - susceptibility to chronic infections syndrome. Last evaluated: 2026-08-11. Review status: criteria provided, single submitter. Criteria: ACMG Guidelines, 2015. Collection method: clinical testing. Allele origin: germline. Affected: yes. Observed: 2 variant alleles.
Comment: This missense change replaces alanine with valine at position 267 of the STAT1 protein, within the coiled-coil domain, a well-established mutational hotspot for gain-of-function variants in this gene (PM1). The variant is absent from population databases, including gnomAD (PM2). It is one of the most frequently reported STAT1 gain-of-function variants worldwide, described in many unrelated individuals with chronic mucocutaneous candidiasis (PMID:21714370; 39175777; 26711013; 34590680; 21670302), and was identified here in two unrelated affected individuals of Moroccan origin (PS4). Published functional studies show that this substitution causes increased STAT1 phosphorylation and enhanced GAS-dependent transcriptional activity after interferon stimulation, confirming a gain-of-function effect (PS3). Computational tools predict a damaging effect (CADD 24.7) (PP3), and the phenotype observed is highly specific for STAT1 gain-of-function disease (PP4). In summary, on the basis of PS3, PS4, PM1, PM2, PP3 and PP4, this variant is classified as Pathogenic.

GeneDx
Classification: Pathogenic. Last evaluated: 2026-01-15. Review status: criteria provided, single submitter. Criteria: GeneDx Variant Classification Process June 2021. Collection method: clinical testing. Allele origin: germline. Affected: yes.
Comment: Reported in multiple unrelated individuals with features consistent with autosomal dominant STAT1-related immunodeficiency in the published literature and tested at GeneDx (PMID: 24343863, 21714643, 26604104, 28427548); In silico analysis supports that this missense variant has a deleterious effect on protein structure/function; Not observed at significant frequency in large population cohorts (gnomAD); This variant is associated with the following publications: (PMID: 28161409, 34619682, 26494717, 26255980, 28815025, 28427548, 26604104, 21714643, 30187709, 32146551, 32888943, 34738677, 35753512, 35840326, 34390440, 32009323, 23541320, 24343863, 38578354, 39052144)

Labcorp Genetics (formerly Invitae), Labcorp
Classification: Pathogenic for Mendelian susceptibility to mycobacterial diseases due to partial STAT1 deficiency; Immunodeficiency 31B; Autoimmune enteropathy and endocrinopathy - susceptibility to chronic infections syndrome. Last evaluated: 2025-05-12. Review status: criteria provided, single submitter. Criteria: Invitae Variant Classification Sherloc (09022015). Collection method: clinical testing. Allele origin: germline.
Comment: This sequence change replaces alanine, which is neutral and non-polar, with valine, which is neutral and non-polar, at codon 267 of the STAT1 protein (p.Ala267Val). This variant is not present in population databases (gnomAD no frequency). This missense change has been observed in individuals with autosomal dominant chronic mucocutaneous candidiasis (PMID: 21714643, 23709754, 24343863, 26255980, 26494717, 26604104). It has also been observed to segregate with disease in related individuals. ClinVar contains an entry for this variant (Variation ID: 30084). An algorithm developed to predict the effect of missense changes on protein structure and function (PolyPhen-2) suggests that this variant is likely to be disruptive. Experimental studies have shown that this missense change affects STAT1 function (PMID: 23541320, 26255980). For these reasons, this variant has been classified as Pathogenic.

Genomic Medicine Center of Excellence, King Faisal Specialist Hospital and Research Centre
Classification: Pathogenic for Immunodeficiency 31B. Last evaluated: 2024-09-22. Review status: criteria provided, single submitter. Criteria: ACMG Guidelines, 2015. Collection method: clinical testing. Allele origin: germline.

Blueprint Genetics
Classification: Pathogenic for STAT1-related disorders. Last evaluated: 2022-10-24. Review status: criteria provided, single submitter. Criteria: ACMG Guidelines, 2015. Collection method: clinical testing. Allele origin: germline. Affected: yes. Observed: 4 variant alleles.

Laboratorio de Genetica e Diagnostico Molecular, Hospital Israelita Albert Einstein
Classification: Pathogenic for Autoimmune enteropathy and endocrinopathy - susceptibility to chronic infections syndrome. Last evaluated: 2022-06-21. Review status: criteria provided, single submitter. Criteria: ACMG Guidelines, 2015. Collection method: clinical testing. Allele origin: germline. Affected: yes. Observed: 1 variant allele.
Comment: ACMG classification criteria: PS3 supporting, PS4 strong, PM2 moderated, PM6 moderated, PP1 strong, PP2 supporting

Baylor Genetics
Classification: Pathogenic for Mendelian susceptibility to mycobacterial diseases due to partial STAT1 deficiency. Last evaluated: 2018-09-12. Review status: criteria provided, single submitter. Criteria: ACMG Guidelines, 2015. Collection method: clinical testing. Allele origin: de novo. Affected: yes.
Comment: This variant was determined to be pathogenic according to ACMG Guidelines, 2015 [PMID:25741868]. This variant has been previously reported as a pathogenic variant with gain-of-function disease mechanisms [PMID 21714643, 28427548, 28161409, 26604104, 28815025, 24343863, 26494717, 23541320, 26255980]

Laboratory for Molecular Medicine, Mass General Brigham Personalized Medicine
Classification: Pathogenic for Chronic mucocutaneous candidiasis. Last evaluated: 2018-05-04. Review status: criteria provided, single submitter. Criteria: LMM Criteria. Collection method: clinical testing. Allele origin: germline. Inheritance: Autosomal dominant inheritance. Observed: 1 variant allele.
Comment: The p.Ala267Val variant in STAT1 has been reported in >10 individuals with chron ic mucocutaneous candidiasis (CMC) and segregated with disease in 16 individuals from 9 families (Liu 2011, van de Veerdonk 2011, Sampaio 2013, Mizoguchi 2014, Nielsen 2015, Zheng 2015, Depner 2016, Breuer 2017, Dadak 2017). It was absent f rom large population studies. Additionally, in vitro functional studies support a pathogenic role (Sampaio 2013, Mizoguchi 2014, Zheng 2015). In summary, the p. Ala267Val variant meets criteria to be classified as pathogenic for CMC in an au tosomal dominant manner. ACMG/AMP Criteria applied: PP1_Strong; PM2; PS4_Moderat e; PP3; PS3_Supporting.

OMIM
Classification: Pathogenic for IMMUNODEFICIENCY 31C. Last evaluated: 2013-06-01. Review status: no assertion criteria provided. Collection method: literature only. Allele origin: germline. Not counted in ClinVar's aggregate classification.

Genome Diagnostics Laboratory, University Medical Center Utrecht
Classification: Pathogenic. Review status: no assertion criteria provided. Collection method: clinical testing. Allele origin: germline. Affected: yes. Study: VKGL Data-share Consensus. Not counted in ClinVar's aggregate classification.

Joint Genome Diagnostic Labs from Nijmegen and Maastricht, Radboudumc and MUMC+
Classification: Pathogenic. Review status: no assertion criteria provided. Collection method: clinical testing. Allele origin: germline. Affected: yes. Study: VKGL Data-share Consensus. Not counted in ClinVar's aggregate classification.

Literature cited by the submitters: PubMed 21714370 (cited by Laboratory of Clinical Immunology, Infection and Allergy, Faculty of Medicine and Pharmacy of Casablanca, University of Hassan II Casablanca); PubMed 39175777 (cited by Laboratory of Clinical Immunology, Infection and Allergy, Faculty of Medicine and Pharmacy of Casablanca, University of Hassan II Casablanca); PubMed 26711013 (cited by Laboratory of Clinical Immunology, Infection and Allergy, Faculty of Medicine and Pharmacy of Casablanca, University of Hassan II Casablanca); PubMed 34590680 (cited by Laboratory of Clinical Immunology, Infection and Allergy, Faculty of Medicine and Pharmacy of Casablanca, University of Hassan II Casablanca); PubMed 21670302 (cited by Laboratory of Clinical Immunology, Infection and Allergy, Faculty of Medicine and Pharmacy of Casablanca, University of Hassan II Casablanca); PubMed 21714643 (cited by 4 submitters); PubMed 23709754 (cited by Labcorp Genetics (formerly Invitae), Labcorp); PubMed 24343863 (cited by 3 submitters); PubMed 26255980 (cited by 3 submitters); PubMed 26494717 (cited by 3 submitters); PubMed 26604104 (cited by 3 submitters); PubMed 23541320 (cited by 4 submitters); PubMed 28427548 (cited by Baylor Genetics and Laboratory for Molecular Medicine, Mass General Brigham Personalized Medicine); PubMed 28161409 (cited by Baylor Genetics and Laboratory for Molecular Medicine, Mass General Brigham Personalized Medicine); PubMed 28815025 (cited by Baylor Genetics); PubMed 21727188 (cited by Laboratory for Molecular Medicine, Mass General Brigham Personalized Medicine and OMIM).